The following is an entry in ClinVar:

ClinVar aggregate classification (germline): Uncertain significance (1 of 4 stars; one submission).

Conditions:
Isolated microphthalmia 5. Also called: Posterior Microphthalmia with Retinitis Pigmentosa, Foveoschisis, and Optic Disc Drusen. Identifiers: Orphanet 251279, MedGen C1970236, MONDO:0012605, OMIM 611040.

Allele frequency attached by ClinVar (database versions not stated): TOPMed below 0.00001; gnomAD 0.00001; gnomAD exomes below 0.00001.
gnomAD v4.1: 2 of 1,613,558 alleles (0.00012%); highest among the groups gnomAD compares: Admixed American, 0.0033%; no homozygotes.

Submission:

Labcorp Genetics (formerly Invitae), Labcorp
Classification: Uncertain significance for Isolated microphthalmia 5. Last evaluated: 2024-10-29. Review status: criteria provided, single submitter. Criteria: Invitae Variant Classification Sherloc (09022015). Collection method: clinical testing. Allele origin: germline.
Comment: This sequence change replaces glycine, which is neutral and non-polar, with serine, which is neutral and polar, at codon 146 of the MFRP protein (p.Gly146Ser). This variant is not present in population databases (gnomAD no frequency). This variant has not been reported in the literature in individuals affected with MFRP-related conditions. ClinVar contains an entry for this variant (Variation ID: 1036413). Invitae Evidence Modeling of protein sequence and biophysical properties (such as structural, functional, and spatial information, amino acid conservation, physicochemical variation, residue mobility, and thermodynamic stability) indicates that this missense variant is expected to disrupt MFRP protein function with a positive predictive value of 80%. In summary, the available evidence is currently insufficient to determine the role of this variant in disease. Therefore, it has been classified as a Variant of Uncertain Significance.

NM_031433.4(MFRP):c.436G>A (p.Gly146Ser)

Genes: C1QTNF5 (C1q and TNF related 5; minus strand), MFRP (membrane frizzled-related protein; minus strand). Cytogenetic location: 11q23.3.
Variant type: single nucleotide variant.
Coding change: c.436G>A on transcript NM_031433.4 (MANE Select); coding-DNA position 436, G replaced by A.
Protein change: p.Gly146Ser; replaces glycine 146 with serine.
Molecular consequence: missense variant. On other transcripts: 5 prime UTR variant (1).
Genome position (GRCh38, 1-based): chr11:119,345,625, C>T on the plus strand (G>A on the coding strand, the complement: MFRP is on the minus strand). VCF-style: chr11-119345625-C-T. GRCh37 (hg19) VCF-style: chr11-119216335-C-T.
Other names: c.-2201G>A (NM_015645.5); short protein forms G146S.
Identifiers: ClinVar variation 1036413 (VCV001036413.9), dbSNP rs1950556299, ClinGen allele CA382978594.